The following is an entry in ClinVar:

NM_015338.6(ASXL1):c.3388A>G (p.Met1130Val)

Gene: ASXL1 (ASXL transcriptional regulator 1; plus strand). Cytogenetic location: 20q11.21.
Variant type: single nucleotide variant.
Coding change: c.3388A>G on transcript NM_015338.6 (MANE Select); coding-DNA position 3388, A replaced by G.
Protein change: p.Met1130Val; replaces methionine 1130 with valine.
Molecular consequence: missense variant.
Genome position (GRCh38, 1-based): chr20:32,436,100, A>G. VCF-style: chr20-32436100-A-G. GRCh37 (hg19) VCF-style: chr20-31023903-A-G.
Other names: c.3205A>G, p.Met1069Val (NM_001363734.1); short protein forms M1069V, M1130V.
Identifiers: ClinVar variation 3367360 (VCV003367360.2).
Genomic context (GRCh38, chr20:32,436,100, plus strand): 5'-CAGTTGCTGCAGGGTAGCTTGCCCCTAGAGAAGGTTCTTCCACCAGCCCACGATGACAGC[A>G]TGTCAGAATCCCCACAAGTACCACTTACAAAAGACCAGAGCCATGGCTCGCTACGCATGG-3'
Protein context (NP_056153.2, residues 1120-1140): KVLPPAHDDS[Met1130Val]SESPQVPLTK

ClinVar aggregate classification (germline): Uncertain significance. Review status: criteria provided, multiple submitters, no conflicts (2 of 4 stars). 2 submissions from 2 submitters: Uncertain significance (2). Last evaluated 2025-06-21.

Conditions:
Inborn genetic diseases. Identifiers: MedGen C0950123, MeSH D030342.

Submissions (2):

Ambry Genetics
Classification: Uncertain significance for Inborn genetic diseases. Last evaluated: 2025-06-21. Review status: criteria provided, single submitter. Criteria: Ambry Variant Classification Scheme 2023. Collection method: clinical testing. Allele origin: germline.
Comment: The p.M1130V variant (also known as c.3388A>G), located in coding exon 13 of the ASXL1 gene, results from an A to G substitution at nucleotide position 3388. The methionine at codon 1130 is replaced by valine, an amino acid with highly similar properties. This amino acid position is conserved. In addition, this alteration is predicted to be tolerated by in silico analysis. Based on the available evidence, the clinical significance of this variant remains unclear.

GeneDx
Classification: Uncertain significance. Last evaluated: 2023-12-27. Review status: criteria provided, single submitter. Criteria: GeneDx Variant Classification Process June 2021. Collection method: clinical testing. Allele origin: germline. Affected: yes.
Comment: Not observed at significant frequency in large population cohorts (gnomAD); In silico analysis supports that this missense variant does not alter protein structure/function; Has not been previously published as pathogenic or benign to our knowledge